The following is an entry in ClinVar:

NC_000006.11:g.(?_76657011)_(76660831_?)del

Gene: IMPG1 (interphotoreceptor matrix proteoglycan 1; minus strand). Cytogenetic location: 6q14.1.
Variant type: Deletion.
Identifiers: ClinVar variation 2424201 (VCV002424201.3).

ClinVar aggregate classification (germline): Uncertain significance (1 of 4 stars; one submission).

Submission:

Labcorp Genetics (formerly Invitae), Labcorp
Classification: Uncertain significance. Last evaluated: 2023-05-22. Review status: criteria provided, single submitter. Criteria: Invitae Variant Classification Sherloc (09022015). Collection method: clinical testing. Allele origin: germline.
Comment: This variant is a gross deletion of the genomic region encompassing exon(s) 13-14 of the IMPG1 gene. This variant would be expected to be in-frame, preserving the integrity of the reading frame. A similar copy number variant has been observed in individual(s) with clinical features of autosomal dominant inherited retinal dystrophy (Invitae). In summary, the available evidence is currently insufficient to determine the role of this variant in disease. Therefore, it has been classified as a Variant of Uncertain Significance.